The following is an entry in ClinVar:

ClinVar aggregate classification (germline): Uncertain significance (1 of 4 stars; one submission).

Conditions:
MYCBP2-related developmental delay with corpus callosum defects. Identifiers: MedGen CN379477, MONDO:1060117.

Submission:

Clinical Genomics Laboratory, Washington University in St. Louis
Classification: Uncertain significance for MYCBP2-related developmental delay with corpus callosum defects. Last evaluated: 2024-07-22. Review status: criteria provided, single submitter. Criteria: ACMG Guidelines, 2015. Collection method: clinical testing. Allele origin: germline.
Comment: The MYCBP2 c.1370_1372del (p.Glu457del) variant, to our knowledge, has not been reported in the medical literature. The highest population minor allele frequency in the population database genome aggregation database (v.2.1.1) is 0.0213% in the European non-Finnish population, however, no homozygotes were identified. This variant is predicted to cause a change in the length of the protein due to an in-frame deletion of one amino acid in a non-repeat region. Due to limited information, the clinical significance of this variant is uncertain.

NM_015057.5(MYCBP2):c.1370_1372del (p.Glu457del)

Gene: MYCBP2 (MYC binding protein 2; minus strand). Cytogenetic location: 13q22.3.
Variant type: Deletion.
Coding change: c.1370_1372del on transcript NM_015057.5 (MANE Select); coding-DNA positions 1370 to 1372, 3 bases deleted (AAG; older notation c.1370_1372delAAG).
Protein change: p.Glu457del; deletes glutamic acid 457.
Genome position (GRCh38, 1-based): chr13:77,263,988-77,263,990, CTT deleted on the plus strand (AAG on the coding strand, the reverse complement: MYCBP2 is on the minus strand); deleting any 3 consecutive bases within chr13:77,263,988-77,263,991 gives the same sequence; the c. name uses the placement nearest the transcript's 3' end. VCF-style (leftmost placement, unchanged base first): chr13-77263987-CCTT-C. GRCh37 (hg19) VCF-style: chr13-77838122-CCTT-C.
Other names: short protein forms E457del.
Identifiers: ClinVar variation 3600503 (VCV003600503.1).
Genomic context (GRCh38, chr13:77,263,987, plus strand): 5'-ACATCTCTTGAAGCAGCTATCTGATTAATATATTCTCCATCAGTGAATAAAATATTTTGA[CCTT>C]CAGTGTGGCAATCTGTGCAAAAGAAAAAGTATTTATATTACAATACAAGCAAACACCTTG-3'